The following is an entry in ClinVar:

NM_004082.5(DCTN1):c.2761-5C>T

Gene: DCTN1 (dynactin subunit 1; minus strand). Cytogenetic location: 2p13.1.
Variant type: single nucleotide variant.
Coding change: c.2761-5C>T on transcript NM_004082.5 (MANE Select); 5 bases into the intron before coding-DNA position 2761, C replaced by T.
Molecular consequence: intron variant.
Genome position (GRCh38, 1-based): chr2:74,366,023, G>A on the plus strand (C>T on the coding strand, the complement: DCTN1 is on the minus strand). VCF-style: chr2-74366023-G-A. GRCh37 (hg19) VCF-style: chr2-74593150-G-A.
Other names: c.2650-5C>T (NM_001190836.2); c.2692-5C>T (NM_001378992.1); c.2710-5C>T (NM_001378991.1); c.2701-5C>T (NM_001135040.3); c.2740-5C>T (NM_001190837.2); c.2359-5C>T (NM_001135041.3, NM_023019.4); c.2761-5C>T (NM_004082.4).
Identifiers: ClinVar variation 1113107 (VCV001113107.11), dbSNP rs749706596, ClinGen allele CA1721724.

ClinVar aggregate classification (germline): Conflicting classifications of pathogenicity. Review status: criteria provided, conflicting classifications (1 of 4 stars). 3 submissions from 3 submitters: Uncertain significance (1); Likely benign (2). Last evaluated 2024-03-02.

Conditions:
Inborn genetic diseases. Identifiers: MedGen C0950123, MeSH D030342.
Amyotrophic lateral sclerosis type 1 (ALS1). Also called: AMYOTROPHIC LATERAL SCLEROSIS 1, FAMILIAL. Identifiers: Orphanet 803, MedGen C1862939, MONDO:0007103, OMIM 105400.
Neuronopathy, distal hereditary motor, type 7B. Also called: HMN VIIB; LOWER MOTOR NEURON DISEASE, DYNACTIN TYPE; NEURONOPATHY, DISTAL HEREDITARY MOTOR, AUTOSOMAL DOMINANT 14; NEURONOPATHY, DISTAL HEREDITARY MOTOR, HARDING TYPE VIIB; NEUROPATHY, DISTAL HEREDITARY MOTOR, HARDING TYPE VIIB; NEUROPATHY, DISTAL HEREDITARY MOTOR, WITH VOCAL CORD PARALYSIS, HARDING TYPE VIIB. Identifiers: Orphanet 139589, MedGen C1843315, MONDO:0011879, OMIM 607641.
Perry syndrome. Also called: PARKINSONISM WITH ALVEOLAR HYPOVENTILATION AND MENTAL DEPRESSION. Identifiers: Orphanet 178509, MedGen C1868594, MONDO:0008201, OMIM 168605.

Allele frequency attached by ClinVar (database versions not stated): TOPMed below 0.00001; ExAC 0.00001; gnomAD exomes 0.00001.
gnomAD v4.1: 12 of 1,614,230 alleles (0.00074%); highest among the groups gnomAD compares: Non-Finnish European, 0.001%; no homozygotes.

Submissions (3):

Labcorp Genetics (formerly Invitae), Labcorp
Classification: Likely benign for Amyotrophic lateral sclerosis type 1; Neuronopathy, distal hereditary motor, type 7B; Perry syndrome. Last evaluated: 2024-03-02. Review status: criteria provided, single submitter. Criteria: Invitae Variant Classification Sherloc (09022015). Collection method: clinical testing. Allele origin: germline.

Ambry Genetics
Classification: Uncertain significance for Inborn genetic diseases. Last evaluated: 2023-02-20. Review status: criteria provided, single submitter. Criteria: Ambry Variant Classification Scheme 2023. Collection method: clinical testing. Allele origin: germline.
Comment: The c.2761-5C>T intronic alteration consists of a C to T substitution 5 nucleotides before exon 24 of the DCTN1 gene. Based on insufficient or conflicting evidence, the clinical significance of this alteration remains unclear.

Blueprint Genetics
Classification: Likely benign. Last evaluated: 2022-07-11. Review status: criteria provided, single submitter. Criteria: ACMG Guidelines, 2015. Collection method: clinical testing. Allele origin: germline.